The following is an entry in ClinVar:

NM_001358921.2(COQ2):c.925G>T (p.Ala309Ser)

Gene: COQ2 (coenzyme Q2, polyprenyltransferase; minus strand). Cytogenetic location: 4q21.23.
Variant type: single nucleotide variant.
Coding change: c.925G>T on transcript NM_001358921.2 (MANE Select); coding-DNA position 925, G replaced by T.
Protein change: p.Ala309Ser; replaces alanine 309 with serine.
Molecular consequence: missense variant.
Genome position (GRCh38, 1-based): chr4:83,267,612, C>A on the plus strand (G>T on the coding strand, the complement: COQ2 is on the minus strand). VCF-style: chr4-83267612-C-A. GRCh37 (hg19) VCF-style: chr4-84188765-C-A.
Other names: c.1075G>T, p.Ala359Ser (NM_015697.9); short protein forms A309S, A359S.
Identifiers: ClinVar variation 1031929 (VCV001031929.6), dbSNP rs771166601, ClinGen allele CA2988480.

ClinVar aggregate classification (germline): Uncertain significance. Review status: criteria provided, multiple submitters, no conflicts (2 of 4 stars). 4 submissions from 4 submitters: Uncertain significance (4). Last evaluated 2025-05-28.

Conditions:
Inborn genetic diseases. Identifiers: MedGen C0950123, MeSH D030342.
Multiple system atrophy 1, susceptibility to. Also called: MSA1, SUSCEPTIBILITY TO. Identifiers: MedGen C3714927, MONDO:0020715, OMIM 146500.
Coenzyme Q10 deficiency, primary, 1. Also called: UBIQUINONE DEFICIENCY 1; COENZYME Q DEFICIENCY 1; CoQ DEFICIENCY 1. Identifiers: Orphanet 255249, MedGen C3551954, MONDO:0011829, OMIM 607426.

Allele frequency attached by ClinVar (database versions not stated): gnomAD 0.00001; TOPMed 0.00001; ExAC 0.00003.
gnomAD v4.1: 11 of 1,583,518 alleles (0.00069%); highest among the groups gnomAD compares: Admixed American, 0.018%; no homozygotes.

Submissions (4):

Ambry Genetics
Classification: Uncertain significance for Inborn genetic diseases. Last evaluated: 2025-05-28. Review status: criteria provided, single submitter. Criteria: Ambry Variant Classification Scheme 2023. Collection method: clinical testing. Allele origin: germline.

Labcorp Genetics (formerly Invitae), Labcorp
Classification: Uncertain significance. Last evaluated: 2022-07-26. Review status: criteria provided, single submitter. Criteria: Invitae Variant Classification Sherloc (09022015). Collection method: clinical testing. Allele origin: germline.
Comment: In summary, the available evidence is currently insufficient to determine the role of this variant in disease. Therefore, it has been classified as a Variant of Uncertain Significance. Algorithms developed to predict the effect of missense changes on protein structure and function (SIFT, PolyPhen-2, Align-GVGD) all suggest that this variant is likely to be tolerated. ClinVar contains an entry for this variant (Variation ID: 1031929). This variant has not been reported in the literature in individuals affected with COQ2-related conditions. The frequency data for this variant in the population databases is considered unreliable, as metrics indicate poor data quality at this position in the gnomAD database. This sequence change replaces alanine, which is neutral and non-polar, with serine, which is neutral and polar, at codon 359 of the COQ2 protein (p.Ala359Ser).

Fulgent Genetics
Classification: Uncertain significance for Multiple system atrophy 1, susceptibility to; Coenzyme Q10 deficiency, primary, 1. Last evaluated: 2022-05-12. Review status: criteria provided, single submitter. Criteria: ACMG Guidelines, 2015. Collection method: clinical testing. Allele origin: unknown.

Baylor Genetics
Classification: Uncertain significance for Coenzyme Q10 deficiency, primary, 1. Last evaluated: 2018-08-22. Review status: criteria provided, single submitter. Criteria: ACMG Guidelines, 2015. Collection method: clinical testing. Allele origin: maternal. Affected: yes.
Comment: This variant was determined to be of uncertain significance according to ACMG Guidelines, 2015 [PMID:25741868].